The following is an entry in ClinVar:

ClinVar aggregate classification (germline): Likely pathogenic. Review status: criteria provided, single submitter (1 of 4 stars). 2 submissions from 2 submitters: Likely pathogenic (1). 1 of the submissions does not count toward it. Last evaluated 2023-10-15.

Conditions:
Polyglandular autoimmune syndrome, type 1 (APS1). Also called: AUTOIMMUNE POLYENDOCRINE SYNDROME, TYPE I, WITH OR WITHOUT REVERSIBLE METAPHYSEAL DYSPLASIA; APS I; HYPOADRENOCORTICISM WITH HYPOPARATHYROIDISM AND SUPERFICIAL MONILIASIS; PGA I; Whitaker syndrome; Autoimmune polyendocrinopathy syndrome , type I, with or without reversible metaphyseal dysplasia. Identifiers: Orphanet 3453, MedGen C0085859, MONDO:0009411, OMIM 240300.

Submissions (2):

Labcorp Genetics (formerly Invitae), Labcorp
Classification: Likely pathogenic for Polyglandular autoimmune syndrome, type 1. Last evaluated: 2023-10-15. Review status: criteria provided, single submitter. Criteria: Invitae Variant Classification Sherloc (09022015). Collection method: clinical testing. Allele origin: germline.
Comment: This sequence change affects a donor splice site in intron 2 of the AIRE gene. It is expected to disrupt RNA splicing. Variants that disrupt the donor or acceptor splice site typically lead to a loss of protein function (PMID: 16199547), and loss-of-function variants in AIRE are known to be pathogenic (PMID: 11524731, 26141571). This variant is not present in population databases (gnomAD no frequency). This variant has not been reported in the literature in individuals affected with AIRE-related conditions. ClinVar contains an entry for this variant (Variation ID: 1066316). Algorithms developed to predict the effect of sequence changes on RNA splicing suggest that this variant may disrupt the consensus splice site. In summary, the currently available evidence indicates that the variant is pathogenic, but additional data are needed to prove that conclusively. Therefore, this variant has been classified as Likely Pathogenic.

Natera, Inc.
Classification: Likely pathogenic for Polyglandular autoimmune syndrome type 1. Last evaluated: 2020-01-31. Review status: no assertion criteria provided. Collection method: clinical testing. Allele origin: germline. Not counted in ClinVar's aggregate classification.

Literature cited by the submitters: PubMed 16199547 (cited by Labcorp Genetics (formerly Invitae), Labcorp); PubMed 11524731 (cited by Labcorp Genetics (formerly Invitae), Labcorp); PubMed 26141571 (cited by Labcorp Genetics (formerly Invitae), Labcorp).

NM_000383.4(AIRE):c.307+2T>G

Gene: AIRE (autoimmune regulator; plus strand). Cytogenetic location: 21q22.3.
Variant type: single nucleotide variant.
Coding change: c.307+2T>G on transcript NM_000383.4 (MANE Select); the canonical splice donor site of the intron after coding-DNA position 307, T replaced by G.
Molecular consequence: splice donor variant.
Genome position (GRCh38, 1-based): chr21:44,286,733, T>G. VCF-style: chr21-44286733-T-G. GRCh37 (hg19) VCF-style: chr21-45706616-T-G.
Identifiers: ClinVar variation 1066316 (VCV001066316.11), dbSNP rs2146375964, ClinGen allele CA410423567.
Genomic context (GRCh38, chr21:44,286,733, plus strand): 5'-GGACTACAACCTGGAGCGCTATGGCCGGCTGCAGCCCATCCTGGACAGCTTCCCCAAAGG[T>G]GGGTCCTGGTGGACTCAGCCATGCTGGGGGCCTGGGGCAGCTGCTGTCACCTGCTCAGCC-3'